The following is an entry in ClinVar:

ClinVar aggregate classification (germline): Uncertain significance (1 of 4 stars; one submission).

Submission:

Labcorp Genetics (formerly Invitae), Labcorp
Classification: Uncertain significance. Last evaluated: 2022-09-05. Review status: criteria provided, single submitter. Criteria: Invitae Variant Classification Sherloc (09022015). Collection method: clinical testing. Allele origin: germline.
Comment: This sequence change creates a premature translational stop signal (p.Lys334*) in the PNLIP gene. It is expected to result in an absent or disrupted protein product. However, the current clinical and genetic evidence is not sufficient to establish whether loss-of-function variants in PNLIP cause disease. Information on the frequency of this variant in the gnomAD database is not available, as this variant may be reported differently in the database. This variant has not been reported in the literature in individuals affected with PNLIP-related conditions. In summary, the available evidence is currently insufficient to determine the role of this variant in disease. Therefore, it has been classified as a Variant of Uncertain Significance.

NM_000936.4(PNLIP):c.999_1000delinsTT (p.Lys334Ter)

Gene: PNLIP (pancreatic lipase; plus strand). Cytogenetic location: 10q25.3.
Variant type: Indel.
Coding change: c.999_1000delinsTT on transcript NM_000936.4 (MANE Select); coding-DNA positions 999 to 1000, GA replaced by TT.
Protein change: p.Lys334Ter; replaces lysine 334 with a stop codon.
Molecular consequence: nonsense.
Genome position (GRCh38, 1-based): chr10:116,559,222-116,559,223, GA replaced by TT. VCF-style: chr10-116559222-GA-TT. GRCh37 (hg19) VCF-style: chr10-118318734-GA-TT.
Other names: short protein forms K334*.
Identifiers: ClinVar variation 2021893 (VCV002021893.1), dbSNP rs2493060749, ClinGen allele CA2580082380.
Genomic context (GRCh38, chr10:116,559,222, plus strand): 5'-TTTCCCTTGTCCAAGTGGAGGCTGCCCACAGATGGGTCACTATGCTGATAGATATCCTGG[GA>TT]AAACAAATGATGTGGGCCAGAAATTTTATCTAGACACTGGTGATGCCAGTAATTTTGCAC-3'